The following is an entry in ClinVar:

NM_017534.6(MYH2):c.5155G>A (p.Val1719Ile)

Genes: MYH2 (myosin heavy chain 2; minus strand), MYHAS (myosin heavy chain gene cluster antisense RNA; plus strand). Cytogenetic location: 17p13.1.
Variant type: single nucleotide variant.
Coding change: c.5155G>A on transcript NM_017534.6 (MANE Select); coding-DNA position 5155, G replaced by A.
Protein change: p.Val1719Ile; replaces valine 1719 with isoleucine.
Molecular consequence: missense variant.
Genome position (GRCh38, 1-based): chr17:10,524,486, C>T on the plus strand (G>A on the coding strand, the complement: MYH2 is on the minus strand). VCF-style: chr17-10524486-C-T. GRCh37 (hg19) VCF-style: chr17-10427803-C-T.
Other names: c.5155G>A, p.Val1719Ile (NM_001100112.2); short protein forms V1719I.
Identifiers: ClinVar variation 2071676 (VCV002071676.4), dbSNP rs752282524, ClinGen allele CA8390483.

ClinVar aggregate classification (germline): Uncertain significance (1 of 4 stars; one submission).

Conditions:
Myopathy, proximal, and ophthalmoplegia (CMYO6). Also called: CONGENITAL MYOPATHY 6 WITH OPHTHALMOPLEGIA; MYOPATHY WITH CONGENITAL JOINT CONTRACTURES, OPHTHALMOPLEGIA, AND RIMMED VACUOLES; INCLUSION BODY MYOPATHY 3, AUTOSOMAL DOMINANT. Identifiers: Orphanet 363677, Orphanet 79091, MedGen C1854106, MONDO:0011577, OMIM 605637.

Allele frequency attached by ClinVar (database versions not stated): ExAC 0.00001; gnomAD exomes 0.00002.
gnomAD v4.1: 34 of 1,614,162 alleles (0.0021%); highest among the groups gnomAD compares: Non-Finnish European, 0.0028%; no homozygotes.

Submission:

Labcorp Genetics (formerly Invitae), Labcorp
Classification: Uncertain significance for Myopathy, proximal, and ophthalmoplegia. Last evaluated: 2022-09-12. Review status: criteria provided, single submitter. Criteria: Invitae Variant Classification Sherloc (09022015). Collection method: clinical testing. Allele origin: germline.
Comment: This sequence change replaces valine, which is neutral and non-polar, with isoleucine, which is neutral and non-polar, at codon 1719 of the MYH2 protein (p.Val1719Ile). This variant is present in population databases (rs752282524, gnomAD 0.0009%). This variant has not been reported in the literature in individuals affected with MYH2-related conditions. Algorithms developed to predict the effect of missense changes on protein structure and function are either unavailable or do not agree on the potential impact of this missense change (SIFT: "Deleterious"; PolyPhen-2: "Benign"; Align-GVGD: "Class C25"). In summary, the available evidence is currently insufficient to determine the role of this variant in disease. Therefore, it has been classified as a Variant of Uncertain Significance.